The following is an entry in ClinVar:

ClinVar aggregate classification (germline): Uncertain significance. Review status: criteria provided, multiple submitters, no conflicts (2 of 4 stars). 5 submissions from 5 submitters: Uncertain significance (5). Last evaluated 2025-11-12.

Conditions:
Cardiovascular phenotype. Identifiers: MedGen CN230736.
Cardiomyopathy (CMYO). Also called: Cardiomyopathies. Identifiers: Orphanet 167848, MedGen C0878544, MONDO:0004994, HP:0001638. Inheritance: Various modes of inheritance.
Hypertrophic cardiomyopathy. Also called: HYPERTROPHIC MYOCARDIOPATHY. Identifiers: Orphanet 217569, MedGen C0007194, MeSH D002312, MONDO:0005045, HP:0001639.

Allele frequency attached by ClinVar (database versions not stated): gnomAD exomes 0.00001 and below 0.00001; ExAC 0.00004.

Submissions (5):

Women's Health and Genetics/Laboratory Corporation of America, LabCorp
Classification: Uncertain significance. Last evaluated: 2025-11-12. Review status: criteria provided, single submitter. Criteria: LabCorp Variant Classification Summary - May 2015. Collection method: clinical testing. Allele origin: germline.

All of Us Research Program, National Institutes of Health
Classification: Uncertain significance for Hypertrophic cardiomyopathy. Last evaluated: 2024-05-14. Review status: criteria provided, single submitter. Criteria: ACMG Guidelines, 2015. Collection method: clinical testing. Allele origin: germline. Inheritance: Autosomal dominant inheritance. Observed: 1 variant allele, 1 heterozygote.
Comment: This variant causes a G to C nucleotide substitution at the +5 position of intron 3 of the MYBPC3 gene. To our knowledge, functional studies have not been reported for this variant. This variant has not been reported in individuals affected with MYBPC3-related disorders in the literature. This variant has been identified in 1/164774 chromosomes in the general population by the Genome Aggregation Database (gnomAD). The available evidence is insufficient to determine the role of this variant in disease conclusively. Therefore, this variant is classified as a Variant of Uncertain Significance.

This study involves interpretation of variants in research participants for the purpose of population health screening. Participant phenotype was not available at the time of variant classification. Additional details can be found in publication PMID: 35346344, PMCID: PMC8962531

Color Diagnostics, LLC DBA Color Health
Classification: Uncertain significance for Cardiomyopathy. Last evaluated: 2024-04-23. Review status: criteria provided, single submitter. Criteria: ACMG Guidelines, 2015. Collection method: clinical testing. Allele origin: germline.
Comment: This variant causes a G to C nucleotide substitution at the +5 position of intron 3 of the MYBPC3 gene. To our knowledge, functional studies have not been reported for this variant. This variant has not been reported in individuals affected with MYBPC3-related disorders in the literature. This variant has been identified in 1/164774 chromosomes in the general population by the Genome Aggregation Database (gnomAD). The available evidence is insufficient to determine the role of this variant in disease conclusively. Therefore, this variant is classified as a Variant of Uncertain Significance.

Labcorp Genetics (formerly Invitae), Labcorp
Classification: Uncertain significance for Hypertrophic cardiomyopathy. Last evaluated: 2024-03-28. Review status: criteria provided, single submitter. Criteria: Invitae Variant Classification Sherloc (09022015). Collection method: clinical testing. Allele origin: germline.
Comment: This sequence change falls in intron 3 of the MYBPC3 gene. It does not directly change the encoded amino acid sequence of the MYBPC3 protein. It affects a nucleotide within the consensus splice site. This variant is present in population databases (rs757353079, gnomAD 0.001%). This variant has not been reported in the literature in individuals affected with MYBPC3-related conditions. ClinVar contains an entry for this variant (Variation ID: 1046163). Variants that disrupt the consensus splice site are a relatively common cause of aberrant splicing (PMID: 17576681, 9536098). Algorithms developed to predict the effect of sequence changes on RNA splicing suggest that this variant may disrupt the consensus splice site. In summary, the available evidence is currently insufficient to determine the role of this variant in disease. Therefore, it has been classified as a Variant of Uncertain Significance.

Ambry Genetics
Classification: Uncertain significance for Cardiovascular phenotype. Last evaluated: 2019-08-29. Review status: criteria provided, single submitter. Criteria: Ambry Variant Classification Scheme 2023. Collection method: clinical testing. Allele origin: germline.
Comment: The c.406+5G>C intronic variant results from a G to C substitution 5 nucleotides after coding exon 3 in the MYBPC3 gene. This nucleotide position is well conserved in available vertebrate species. Using the BDGP and ESEfinder splice site prediction tools, this alteration is predicted to weaken the efficiency of the native splice donor site; however, direct evidence is unavailable. Since supporting evidence is limited at this time, the clinical significance of this alteration remains unclear.

Literature cited by the submitters: PubMed 17576681 (cited by Labcorp Genetics (formerly Invitae), Labcorp); PubMed 9536098 (cited by Labcorp Genetics (formerly Invitae), Labcorp).

NM_000256.3(MYBPC3):c.406+5G>C

Gene: MYBPC3 (myosin binding protein C3; minus strand). Cytogenetic location: 11p11.2.
Variant type: single nucleotide variant.
Coding change: c.406+5G>C on transcript NM_000256.3 (MANE Select); 5 bases into the intron after coding-DNA position 406, G replaced by C.
Molecular consequence: intron variant.
Genome position (GRCh38, 1-based): chr11:47,350,497, C>G on the plus strand (G>C on the coding strand, the complement: MYBPC3 is on the minus strand). VCF-style: chr11-47350497-C-G. GRCh37 (hg19) VCF-style: chr11-47372048-C-G.
Identifiers: ClinVar variation 1046163 (VCV001046163.11), dbSNP rs757353079, ClinGen allele CA055282.